The following is an entry in ClinVar:

NM_003803.4(MYOM1):c.57C>G (p.Asn19Lys)

Gene: MYOM1 (myomesin 1; minus strand). Cytogenetic location: 18p11.31.
Variant type: single nucleotide variant.
Coding change: c.57C>G on transcript NM_003803.4 (MANE Select); coding-DNA position 57, C replaced by G.
Protein change: p.Asn19Lys; replaces asparagine 19 with lysine.
Molecular consequence: missense variant.
Genome position (GRCh38, 1-based): chr18:3,215,167, G>C on the plus strand (C>G on the coding strand, the complement: MYOM1 is on the minus strand). VCF-style: chr18-3215167-G-C. GRCh37 (hg19) VCF-style: chr18-3215165-G-C.
Other names: c.57C>G, p.Asn19Lys (NM_019856.2); short protein forms N19K.
Identifiers: ClinVar variation 1009574 (VCV001009574.12), dbSNP rs781278462, ClinGen allele CA8875385.

ClinVar aggregate classification (germline): Uncertain significance. Review status: criteria provided, multiple submitters, no conflicts (2 of 4 stars). 2 submissions from 2 submitters: Uncertain significance (2). Last evaluated 2025-12-17.

Conditions:
Hypertrophic cardiomyopathy. Also called: HYPERTROPHIC MYOCARDIOPATHY. Identifiers: Orphanet 217569, MedGen C0007194, MeSH D002312, MONDO:0005045, HP:0001639.

Allele frequency attached by ClinVar (database versions not stated): gnomAD 0.00002 and 0.00001; TOPMed 0.00002.

Submissions (2):

Labcorp Genetics (formerly Invitae), Labcorp
Classification: Uncertain significance for Hypertrophic cardiomyopathy. Last evaluated: 2025-12-17. Review status: criteria provided, single submitter. Criteria: Invitae Variant Classification Sherloc (09022015). Collection method: clinical testing. Allele origin: germline.
Comment: This sequence change replaces asparagine, which is neutral and polar, with lysine, which is basic and polar, at codon 19 of the MYOM1 protein (p.Asn19Lys). This variant is present in population databases (rs781278462, gnomAD 0.007%). This variant has not been reported in the literature in individuals affected with MYOM1-related conditions. ClinVar contains an entry for this variant (Variation ID: 1009574). An algorithm developed to predict the effect of missense changes on protein structure and function (PolyPhen-2) suggests that this variant is likely to be tolerated. In summary, the available evidence is currently insufficient to determine the role of this variant in disease. Therefore, it has been classified as a Variant of Uncertain Significance.

Ambry Genetics
Classification: Uncertain significance. Last evaluated: 2025-08-09. Review status: criteria provided, single submitter. Criteria: Ambry Variant Classification Scheme 2023. Collection method: clinical testing. Allele origin: germline.